The following is an entry in ClinVar:

NM_032043.3(BRIP1):c.1092C>T (p.Ile364=)

Gene: BRIP1 (BRCA1 interacting DNA helicase 1; minus strand). Cytogenetic location: 17q23.2.
Variant type: single nucleotide variant.
Coding change: c.1092C>T on transcript NM_032043.3 (MANE Select); coding-DNA position 1092, C replaced by T.
Protein change: p.Ile364=; no amino-acid change (isoleucine 364 retained).
Molecular consequence: synonymous variant.
Genome position (GRCh38, 1-based): chr17:61,801,301, G>A on the plus strand (C>T on the coding strand, the complement: BRIP1 is on the minus strand). VCF-style: chr17-61801301-G-A. GRCh37 (hg19) VCF-style: chr17-59878662-G-A.
Identifiers: ClinVar variation 491398 (VCV000491398.17), dbSNP rs1555607674, ClinGen allele CA501151771.

ClinVar aggregate classification (germline): Benign/Likely benign. Review status: criteria provided, multiple submitters, no conflicts (2 of 4 stars). 4 submissions from 4 submitters: Benign (1); Likely benign (3). Last evaluated 2024-08-23.

Conditions:
Hereditary cancer-predisposing syndrome. Also called: Tumor predisposition; Neoplastic Syndromes, Hereditary; Hereditary Cancer Syndrome; Hereditary neoplastic syndrome. Identifiers: Orphanet 140162, MedGen C0027672, MeSH D009386, MONDO:0015356.
Fanconi anemia complementation group J. Also called: BRIP1-Related Fanconi Anemia. Identifiers: Orphanet 84, MedGen C1836860, MONDO:0012187, OMIM 609054.
Familial cancer of breast. Also called: BREAST CANCER, FAMILIAL; hereditary breast carcinoma; Hereditary breast cancer. Identifiers: Orphanet 227535, MedGen C0346153, MONDO:0016419, OMIM 114480. Disease mechanism: loss of function.

Allele frequency attached by ClinVar (database versions not stated): gnomAD exomes below 0.00001.
gnomAD v4.1: 1 of 1,613,956 alleles (0.000062%); highest among the groups gnomAD compares: Non-Finnish European, 0.000085%; no homozygotes.

Submissions (4):

Myriad Genetics, Inc.
Classification: Benign for Familial cancer of breast. Last evaluated: 2024-08-23. Review status: criteria provided, single submitter. Criteria: Myriad Autosomal Dominant, Autosomal Recessive and X-Linked Classification Criteria (2023). Collection method: clinical testing. Allele origin: unknown.
Comment: This variant is considered benign. This variant is a silent/synonymous amino acid change and it is not expected to impact splicing.

Labcorp Genetics (formerly Invitae), Labcorp
Classification: Likely benign for Familial cancer of breast; Fanconi anemia complementation group J. Last evaluated: 2024-02-05. Review status: criteria provided, single submitter. Criteria: Invitae Variant Classification Sherloc (09022015). Collection method: clinical testing. Allele origin: germline.

Ambry Genetics
Classification: Likely benign for Hereditary cancer-predisposing syndrome. Last evaluated: 2018-02-14. Review status: criteria provided, single submitter. Criteria: Ambry Variant Classification Scheme 2023. Collection method: clinical testing. Allele origin: germline.

Color Diagnostics, LLC DBA Color Health
Classification: Likely benign for Hereditary cancer-predisposing syndrome. Last evaluated: 2017-09-05. Review status: criteria provided, single submitter. Criteria: ACMG Guidelines, 2015. Collection method: clinical testing. Allele origin: germline.